The following is an entry in ClinVar:

NM_134261.3(RORA):c.615C>T (p.Asp205=)

Genes: RORA-AS1 (RORA antisense RNA 1; plus strand), RORA (RAR related orphan receptor A; minus strand). Cytogenetic location: 15q22.2.
Variant type: single nucleotide variant.
Coding change: c.615C>T on transcript NM_134261.3 (MANE Select); coding-DNA position 615, C replaced by T.
Protein change: p.Asp205=; no amino-acid change (aspartic acid 205 retained).
Molecular consequence: synonymous variant.
Genome position (GRCh38, 1-based): chr15:60,511,431, G>A on the plus strand (C>T on the coding strand, the complement: RORA is on the minus strand). VCF-style: chr15-60511431-G-A. GRCh37 (hg19) VCF-style: chr15-60803630-G-A.
Other names: c.690C>T, p.Asp230= (NM_002943.4); c.714C>T, p.Asp238= (NM_134260.3); c.450C>T, p.Asp150= (NM_134262.3).
Identifiers: ClinVar variation 714655 (VCV000714655.7), dbSNP rs61742834, ClinGen allele CA7593674.

ClinVar aggregate classification (germline): Benign. Review status: criteria provided, multiple submitters, no conflicts (2 of 4 stars). 3 submissions from 3 submitters: Benign (2). 1 of the submissions does not count toward it. Last evaluated 2019-12-31.

Conditions:
RORA-related disorder. Also called: RORA-related condition.

Allele frequency attached by ClinVar (database versions not stated): gnomAD exomes 0.00191; ExAC 0.00243; gnomAD 0.00752 and 0.00799; TOPMed 0.00845; 1000 Genomes Project 0.00859; 1000 Genomes Project 30x 0.00906; ESP Exome Variant Server 0.00938.
gnomAD v4.1: 2,219 of 1,614,168 alleles (0.14%); highest among the groups gnomAD compares: African/African-American, 2.6%; 23 homozygotes.

Submissions (3):

Labcorp Genetics (formerly Invitae), Labcorp
Classification: Benign. Last evaluated: 2019-12-31. Review status: criteria provided, single submitter. Criteria: Invitae Variant Classification Sherloc (09022015). Collection method: clinical testing. Allele origin: germline.

Breakthrough Genomics
Classification: Benign. Review status: criteria provided, single submitter. Criteria: ACMG Guidelines, 2015. Collection method: not provided. Allele origin: germline. Inheritance: Autosomal dominant inheritance. Affected: yes.

PreventionGenetics, part of Exact Sciences
Classification: Benign for RORA-related condition. Last evaluated: 2019-05-31. Review status: no assertion criteria provided. Collection method: clinical testing. Allele origin: germline. Not counted in ClinVar's aggregate classification.
Comment: This variant is classified as benign based on ACMG/AMP sequence variant interpretation guidelines (Richards et al. 2015 PMID: 25741868, with internal and published modifications).